The following is an entry in ClinVar:

ClinVar aggregate classification (germline): Conflicting classifications of pathogenicity. Review status: criteria provided, conflicting classifications (1 of 4 stars). 6 submissions from 6 submitters: Uncertain significance (4); Likely benign (1). 1 of the submissions does not count toward it. Last evaluated 2026-02-24.

Conditions:
BBS1-related disorder. Also called: BBS1-related condition.
Bardet-Biedl syndrome 1 (BBS1). Identifiers: MedGen C2936862, MONDO:0008854, OMIM 209900. Disease mechanism: loss of function.
Bardet-Biedl syndrome (BBS). Identifiers: Orphanet 110, MedGen C0752166, MONDO:0015229.

Allele frequency attached by ClinVar (database versions not stated): gnomAD 0.00004 and 0.00003; TOPMed 0.00008.
gnomAD v4.1: 61 of 1,608,144 alleles (0.0038%); highest among the groups gnomAD compares: Admixed American, 0.044%; no homozygotes.

Submissions (6):

PreventionGenetics, part of Exact Sciences
Classification: Uncertain significance for BBS1-related condition. Last evaluated: 2026-02-24. Review status: criteria provided, single submitter. Criteria: ACMG Guidelines, 2015. Collection method: clinical testing. Allele origin: germline.
Comment: The BBS1 c.1744G>A variant is predicted to result in the amino acid substitution p.Val582Ile. To our knowledge, this variant has not been reported in the literature in association with Bardet-Biedl syndrome, but has been described in a large cohort of individuals with obesity (supplementary data, Roberts et al. 2022. PubMed ID: 35562395). However, this variant is reported in 0.061% of alleles in individuals of Latino descent in gnomAD, which is more common that expected for a primary cause of disease. Although we suspect that this variant may be benign, at this time, the clinical significance of this variant is uncertain due to the absence of conclusive functional and genetic evidence.

Labcorp Genetics (formerly Invitae), Labcorp
Classification: Likely benign for Bardet-Biedl syndrome. Last evaluated: 2026-01-11. Review status: criteria provided, single submitter. Criteria: Invitae Variant Classification Sherloc (09022015). Collection method: clinical testing. Allele origin: germline.

Fulgent Genetics
Classification: Uncertain significance for Bardet-Biedl syndrome 1. Last evaluated: 2024-01-25. Review status: criteria provided, single submitter. Criteria: ACMG Guidelines, 2015. Collection method: clinical testing. Allele origin: germline.

Blueprint Genetics
Classification: Uncertain significance. Last evaluated: 2024-01-11. Review status: criteria provided, single submitter. Criteria: ACMG Guidelines, 2015. Collection method: clinical testing. Allele origin: germline.

Illumina Laboratory Services, Illumina
Classification: Uncertain significance for Bardet-Biedl syndrome 1. Last evaluated: 2018-01-13. Review status: criteria provided, single submitter. Criteria: ICSL Variant Classification Criteria 13 December 2019. Collection method: clinical testing. Allele origin: germline.

Natera, Inc.
Classification: Uncertain significance for Bardet-Biedl syndrome type 1. Last evaluated: 2019-11-11. Review status: no assertion criteria provided. Collection method: clinical testing. Allele origin: germline. Not counted in ClinVar's aggregate classification.

NM_024649.5(BBS1):c.1744G>A (p.Val582Ile)

Genes: BBS1 (Bardet-Biedl syndrome 1; plus strand), ZDHHC24 (zDHHC palmitoyltransferase 24; minus strand). Cytogenetic location: 11q13.2.
Variant type: single nucleotide variant.
Coding change: c.1744G>A on transcript NM_024649.5 (MANE Select); coding-DNA position 1744, G replaced by A.
Protein change: p.Val582Ile; replaces valine 582 with isoleucine.
Molecular consequence: missense variant. On other transcripts: intron variant (1).
Genome position (GRCh38, 1-based): chr11:66,531,999, G>A. VCF-style: chr11-66531999-G-A. GRCh37 (hg19) VCF-style: chr11-66299470-G-A.
Other names: c.560-2511C>T (NM_001348571.2); short protein forms V582I.
Identifiers: ClinVar variation 305473 (VCV000305473.28), dbSNP rs111358560, ClinGen allele CA6123882.
Genomic context (GRCh38, chr11:66,531,999, plus strand): 5'-ACTCCTCCATAGGTGCTGGTGCTTCGAGAAGGCCAAAGTGCACCCCTGCTGAGTGCCCAC[G>A]TCAACATGCCTGGGAGCGAGGGGCTGGCGGCCGCCTGAGACCTGAGCTGCTGTGAAAGCC-3'
Protein context (NP_078925.3, residues 572-592): GQSAPLLSAH[Val582Ile]NMPGSEGLAA